The following is an entry in ClinVar:

ClinVar aggregate classification (germline): Uncertain significance. Review status: criteria provided, multiple submitters, no conflicts (2 of 4 stars). 5 submissions from 5 submitters: Uncertain significance (5). Last evaluated 2026-01-13.

Conditions:
Hirschsprung disease, susceptibility to, 1 (HSCR1). Also called: RET-Related Hirschsprung Disease. Identifiers: Orphanet 388, MedGen C3888239, MONDO:0007723, OMIM 142623.
Multiple endocrine neoplasia type 2B. Also called: WAGENMANN-FROBOESE SYNDROME; MULTIPLE ENDOCRINE NEOPLASIA, TYPE III; MULTIPLE ENDOCRINE NEOPLASIA, TYPE IIB; MEN IIB; NEUROMATA, MUCOSAL, WITH ENDOCRINE TUMORS; MEN 2B. Identifiers: Orphanet 247709, Orphanet 653, MedGen C0025269, MeSH D018814, MONDO:0008082, OMIM 162300.
Pheochromocytoma. Also called: MAX-Related Hereditary Paraganglioma-Pheochromocytoma Syndrome. Identifiers: Orphanet 29072, MedGen C0031511, MONDO:0008233, OMIM 171300, HP:0002666.
Familial medullary thyroid carcinoma (MTC). Also called: Thyroid cancer, familial medullary; MTC, familial; Familial Medullary Thyroid Carcinoma (FMTC). Identifiers: Orphanet 653, Orphanet 99361, MedGen C1833921, MONDO:0007958, OMIM 155240.
Multiple endocrine neoplasia type 2A. Also called: Multiple Endocrine Neoplasia Type 2A (MEN2A); MULTIPLE ENDOCRINE NEOPLASIA, TYPE IIA; PTC SYNDROME; SIPPLE SYNDROME; MEN 2A; MEN-2A syndrome. Identifiers: Orphanet 247698, Orphanet 653, MedGen C0025268, MeSH D018813, MONDO:0008234, OMIM 171400.
Hereditary cancer-predisposing syndrome. Also called: Tumor predisposition; Hereditary Cancer Syndrome; Hereditary neoplastic syndrome; Neoplastic Syndromes, Hereditary. Identifiers: Orphanet 140162, MedGen C0027672, MeSH D009386, MONDO:0015356.
Multiple endocrine neoplasia, type 2 (MEN2). Identifiers: Orphanet 653, MedGen C4048306, MONDO:0019003. Disease mechanism: gain of function.

Allele frequency attached by ClinVar (database versions not stated): gnomAD exomes 0.00001 and 0.00002; TOPMed 0.00013; gnomAD 0.00023.
gnomAD v4.1: 41 of 1,613,948 alleles (0.0025%); highest among the groups gnomAD compares: Admixed American, 0.062%; no homozygotes.

Submissions (5):

Labcorp Genetics (formerly Invitae), Labcorp
Classification: Uncertain significance for Multiple endocrine neoplasia, type 2. Last evaluated: 2026-01-13. Review status: criteria provided, single submitter. Criteria: Invitae Variant Classification Sherloc (09022015). Collection method: clinical testing. Allele origin: germline.
Comment: This sequence change replaces glycine, which is neutral and non-polar, with glutamic acid, which is acidic and polar, at codon 885 of the RET protein (p.Gly885Glu). This variant is present in population databases (no rsID available, gnomAD 0.02%). This variant has not been reported in the literature in individuals affected with RET-related conditions. ClinVar contains an entry for this variant (Variation ID: 405551). An algorithm developed to predict the effect of missense changes on protein structure and function (PolyPhen-2) suggests that this variant is likely to be disruptive. In summary, the available evidence is currently insufficient to determine the role of this variant in disease. Therefore, it has been classified as a Variant of Uncertain Significance.

GeneDx
Classification: Uncertain significance. Last evaluated: 2024-12-23. Review status: criteria provided, single submitter. Criteria: GeneDx Variant Classification Process June 2021. Collection method: clinical testing. Allele origin: germline. Affected: yes.
Comment: In silico analysis supports that this missense variant has a deleterious effect on protein structure/function; Has not been previously published as pathogenic or benign to our knowledge

Fulgent Genetics
Classification: Uncertain significance for Hirschsprung disease, susceptibility to, 1; Familial medullary thyroid carcinoma; Multiple endocrine neoplasia type 2B; Pheochromocytoma; Multiple endocrine neoplasia type 2A. Last evaluated: 2024-05-10. Review status: criteria provided, single submitter. Criteria: ACMG Guidelines, 2015. Collection method: clinical testing. Allele origin: germline.

All of Us Research Program, National Institutes of Health
Classification: Uncertain significance for Multiple endocrine neoplasia, type 2. Last evaluated: 2023-10-02. Review status: criteria provided, single submitter. Criteria: ACMG Guidelines, 2015. Collection method: clinical testing. Allele origin: germline. Inheritance: Autosomal dominant inheritance. Observed: 1 variant allele, 1 heterozygote.
Comment: This missense variant replaces glycine with glutamic acid at codon 885 of the RET protein. Computational prediction is inconclusive regarding the impact of this variant on protein structure and function (internally defined REVEL score threshold 0.5 < inconclusive < 0.7, PMID: 27666373). To our knowledge, functional studies have not been reported for this variant. This variant has not been reported in individuals affected with hereditary cancer in the literature. This variant has been identified in 7/282014 chromosomes in the general population by the Genome Aggregation Database (gnomAD). The available evidence is insufficient to determine the role of this variant in disease conclusively. Therefore, this variant is classified as a Variant of Uncertain Significance.

This study involves interpretation of variants in research participants for the purpose of population health screening. Participant phenotype was not available at the time of variant classification. Additional details can be found in publication PMID: 35346344, PMCID: PMC8962531

Ambry Genetics
Classification: Uncertain significance for Hereditary cancer-predisposing syndrome. Last evaluated: 2023-09-29. Review status: criteria provided, single submitter. Criteria: Ambry Variant Classification Scheme 2023. Collection method: clinical testing. Allele origin: germline.
Comment: The p.G885E variant (also known as c.2654G>A), located in coding exon 15 of the RET gene, results from a G to A substitution at nucleotide position 2654. The glycine at codon 885 is replaced by glutamic acid, an amino acid with similar properties. This amino acid position is highly conserved in available vertebrate species. In addition, the in silico prediction for this alteration is inconclusive. Based on data from gnomAD, the frequency for this variant is above the maximum credible frequency for a Hirschsprung disease-causing variant in this gene based on internally established thresholds (Karczewski et al. Nature. 2020 May;581(7809):434-443; Whiffin et al. Genet Med. 2017 10;19:1151-1158). Based on the supporting evidence, the association of this alteration with MEN2 is unknown; however, the association of this alteration with Hirschsprung disease is unlikely.

NM_020975.6(RET):c.2654G>A (p.Gly885Glu)

Gene: RET (ret proto-oncogene; plus strand). Cytogenetic location: 10q11.21.
Variant type: single nucleotide variant.
Coding change: c.2654G>A on transcript NM_020975.6 (MANE Select); coding-DNA position 2654, G replaced by A.
Protein change: p.Gly885Glu; replaces glycine 885 with glutamic acid.
Molecular consequence: missense variant.
Genome position (GRCh38, 1-based): chr10:43,120,127, G>A. VCF-style: chr10-43120127-G-A. GRCh37 (hg19) VCF-style: chr10-43615575-G-A.
Other names: c.1637G>A, p.Gly546Glu (NM_001406785.1); c.1628G>A, p.Gly543Glu (NM_001406786.1, NM_001406783.1); c.1622G>A, p.Gly541Glu (NM_001406787.1); c.1469G>A, p.Gly490Glu (NM_001406788.1, NM_001406789.1, NM_001406790.1); c.1349G>A, p.Gly450Glu (NM_001406791.1); c.1205G>A, p.Gly402Glu (NM_001406792.1, NM_001406793.1, NM_001406794.1); c.2654G>A, p.Gly885Glu (NM_000323.2, NM_001406743.1, NM_001406744.1 and 4 more transcripts); c.1892G>A, p.Gly631Glu (NM_001355216.2); and 10 more; short protein forms G885E, G631E, G541E, G543E, G402E, G586E, G643E, G753E.
Identifiers: ClinVar variation 405551 (VCV000405551.17), dbSNP rs1010091281, ClinGen allele CA16613083.
Genomic context (GRCh38, chr10:43,120,127, plus strand): 5'-ATTTTTCCTCACAGCTCGTTCATCGGGACTTGGCAGCCAGAAACATCCTGGTAGCTGAGG[G>A]GCGGAAGATGAAGATTTCGGATTTCGGCTTGTCCCGAGATGTTTATGAAGAGGATTCCTA-3'
Protein context (NP_066124.1, residues 875-895): LAARNILVAE[Gly885Glu]RKMKISDFGL